The following is an entry in ClinVar:

ClinVar aggregate classification (germline): Uncertain significance (1 of 4 stars; one submission).

Conditions:
Gamma-aminobutyric acid transaminase deficiency (GABATD). Also called: GABA transaminase deficiency; Gamma aminobutyrate transaminase deficiency; 4 alpha aminobutyrate transaminase deficiency; GABA aminotransaminase deficiency. Identifiers: Orphanet 2066, MedGen C0342708, MONDO:0013166, OMIM 613163.

gnomAD v4.1: 38 of 1,614,116 alleles (0.0024%); highest among the groups gnomAD compares: African/African-American, 0.0053%; no homozygotes.

Submission:

Labcorp Genetics (formerly Invitae), Labcorp
Classification: Uncertain significance for Gamma-aminobutyric acid transaminase deficiency. Last evaluated: 2025-08-11. Review status: criteria provided, single submitter. Criteria: Invitae Variant Classification Sherloc (09022015). Collection method: clinical testing. Allele origin: germline.
Comment: This sequence change replaces glycine, which is neutral and non-polar, with serine, which is neutral and polar, at codon 90 of the ABAT protein (p.Gly90Ser). This variant is present in population databases (rs765307760, gnomAD 0.007%). This variant has not been reported in the literature in individuals affected with ABAT-related conditions. Invitae Evidence Modeling of protein sequence and biophysical properties (such as structural, functional, and spatial information, amino acid conservation, physicochemical variation, residue mobility, and thermodynamic stability) indicates that this missense variant is not expected to disrupt ABAT protein function with a negative predictive value of 80%. In summary, the available evidence is currently insufficient to determine the role of this variant in disease. Therefore, it has been classified as a Variant of Uncertain Significance.

NM_020686.6(ABAT):c.268G>A (p.Gly90Ser)

Gene: ABAT (4-aminobutyrate aminotransferase; plus strand). Cytogenetic location: 16p13.2.
Variant type: single nucleotide variant.
Coding change: c.268G>A on transcript NM_020686.6 (MANE Select); coding-DNA position 268, G replaced by A.
Protein change: p.Gly90Ser; replaces glycine 90 with serine.
Molecular consequence: missense variant. On other transcripts: intron variant (1).
Genome position (GRCh38, 1-based): chr16:8,750,491, G>A. VCF-style: chr16-8750491-G-A. GRCh37 (hg19) VCF-style: chr16-8844348-G-A.
Other names: c.268G>A, p.Gly90Ser (NM_000663.5, NM_001127448.2, NM_001386600.1 and 11 more transcripts); c.133G>A, p.Gly45Ser (NM_001386610.1, NM_001386611.1, NM_001386612.1 and 1 more transcripts); c.71-7266G>A (NM_001386614.1); short protein forms G45S, G90S.
Identifiers: ClinVar variation 4811387 (VCV004811387.1).